The following is an entry in ClinVar:

NM_182961.4(SYNE1):c.22887G>A (p.Lys7629=)

Gene: SYNE1 (spectrin repeat containing nuclear envelope protein 1; minus strand). Cytogenetic location: 6q25.2.
Variant type: single nucleotide variant.
Coding change: c.22887G>A on transcript NM_182961.4 (MANE Select); coding-DNA position 22887, G replaced by A.
Protein change: p.Lys7629=; no amino-acid change (lysine 7629 retained).
Molecular consequence: synonymous variant.
Genome position (GRCh38, 1-based): chr6:152,206,300, C>T on the plus strand (G>A on the coding strand, the complement: SYNE1 is on the minus strand). VCF-style: chr6-152206300-C-T. GRCh37 (hg19) VCF-style: chr6-152527435-C-T.
Other names: c.22887G>A (NM_182961.2); c.22674G>A, p.Lys7558= (NM_033071.5); c.22674G>A (NM_033071.3).
Identifiers: ClinVar variation 1134705 (VCV001134705.13), dbSNP rs780771518, ClinGen allele CA4053767.

ClinVar aggregate classification (germline): Likely benign. Review status: criteria provided, multiple submitters, no conflicts (2 of 4 stars). 4 submissions from 4 submitters: Likely benign (3). 1 of the submissions does not count toward it. Last evaluated 2025-04-03.

Conditions:
SYNE1-related disorder. Also called: SYNE1-related disorders; SYNE1-related disease; SYNE1-related condition.
Autosomal recessive ataxia, Beauce type. Also called: Spinocerebellar ataxia, autosomal recessive 8; ATAXIA, RECESSIVE, OF BEAUCE; SYNE1 Deficiency; SYNE1-Related Autosomal Recessive Cerebellar Ataxia. Identifiers: Orphanet 88644, MedGen C1853116, MONDO:0012549, OMIM 610743.
Emery-Dreifuss muscular dystrophy 4, autosomal dominant (EDMD4). Also called: EMERY-DREIFUSS MUSCULAR DYSTROPHY 4 WITH VARIABLE FEATURES. Identifiers: Orphanet 261, MedGen C2751807, MONDO:0013071, OMIM 612998.

Allele frequency attached by ClinVar (database versions not stated): ExAC 0.00001; gnomAD 0.00001; gnomAD exomes 0.00001 and 0.00002; TOPMed 0.00001.
gnomAD v4.1: 25 of 1,613,936 alleles (0.0015%); highest among the groups gnomAD compares: Non-Finnish European, 0.0019%; no homozygotes.

Submissions (4):

Athena Diagnostics
Classification: Likely benign. Last evaluated: 2025-04-03. Review status: criteria provided, single submitter. Criteria: Athena Diagnostics Criteria. Collection method: clinical testing. Allele origin: unknown.
Comment: Computational tools yielded predictions that this variant is unlikely to have an effect on normal RNA splicing. This nucleotide position exhibits low evolutionary conservation.

Labcorp Genetics (formerly Invitae), Labcorp
Classification: Likely benign for Emery-Dreifuss muscular dystrophy 4, autosomal dominant; Autosomal recessive ataxia, Beauce type. Last evaluated: 2023-01-18. Review status: criteria provided, single submitter. Criteria: Invitae Variant Classification Sherloc (09022015). Collection method: clinical testing. Allele origin: germline.

Blueprint Genetics
Classification: Likely benign. Last evaluated: 2023-01-10. Review status: criteria provided, single submitter. Criteria: ACMG Guidelines, 2015. Collection method: clinical testing. Allele origin: germline.

PreventionGenetics, part of Exact Sciences
Classification: Likely benign for SYNE1-related condition. Last evaluated: 2019-03-27. Review status: no assertion criteria provided. Collection method: clinical testing. Allele origin: germline. Not counted in ClinVar's aggregate classification.
Comment: This variant is classified as likely benign based on ACMG/AMP sequence variant interpretation guidelines (Richards et al. 2015 PMID: 25741868, with internal and published modifications).